The following is an entry in ClinVar:

ClinVar aggregate classification (germline): Pathogenic (1 of 4 stars; one submission).

Conditions:
Severe combined immunodeficiency due to CORO1A deficiency. Also called: Immunodeficiency 8; IMMUNODEFICIENCY 8 WITH LYMPHOPROLIFERATION. Identifiers: Orphanet 228003, MedGen C3809383, MONDO:0014168, OMIM 615401.

Submission:

Labcorp Genetics (formerly Invitae), Labcorp
Classification: Pathogenic for Severe combined immunodeficiency due to CORO1A deficiency. Last evaluated: 2022-12-02. Review status: criteria provided, single submitter. Criteria: Invitae Variant Classification Sherloc (09022015). Collection method: clinical testing. Allele origin: germline.
Comment: For these reasons, this variant has been classified as Pathogenic. A similar copy number variant has been observed in individual(s) with T‚àíB+NK+ severe combined immunodeficiency (SCID) (PMID: 18836449). A gross deletion of the genomic region encompassing the full coding sequence of the CORO1A gene has been identified. Loss-of-function variants in CORO1A are known to be pathogenic (PMID: 18836449, 25073507). The boundaries of this event are unknown as they extend beyond the assayed region for this gene and therefore may encompass additional genes.

Literature cited by the submitters: PubMed 18836449; PubMed 25073507.

NC_000016.10:g.(?_30066878)_(30188984_?)del

Genes: ALDOA (aldolase, fructose-bisphosphate A; plus strand), CORO1A (coronin 1A; plus strand), CORO1A-AS1 (CORO1A antisense RNA 1; minus strand), GDPD3 (glycerophosphodiester phosphodiesterase domain containing 3; minus strand), MAPK3 (mitogen-activated protein kinase 3; minus strand) and 19 more. Cytogenetic location: 16p11.2.
Variant type: Deletion.
Identifiers: ClinVar variation 658983 (VCV000658983.4).